The following is an entry in ClinVar:

ClinVar aggregate classification (germline): Pathogenic. Review status: criteria provided, single submitter (1 of 4 stars). 2 submissions from 2 submitters: Pathogenic (1). 1 of the submissions does not count toward it. Last evaluated 2016-03-21.

Conditions:
Mitochondrial complex I deficiency, nuclear type 14. Also called: Mitochondrial complex 1 deficiency, nuclear type 14. Identifiers: MedGen C4748777, MONDO:0032619, OMIM 618236.

Allele frequency attached by ClinVar (database versions not stated): TOPMed below 0.00001.

Submissions (2):

GeneDx
Classification: Pathogenic. Last evaluated: 2016-03-21. Review status: criteria provided, single submitter. Criteria: GeneDx Variant Classification (06012015). Collection method: clinical testing. Allele origin: germline. Affected: yes.
Comment: The c.97+5 G>A splice site variant in the NDUFA11 gene has been previously reported in association with mitochondrial complex I deficiency in several unrelated individuals who were homozygous for c.97+5 G>A (Berger et al., 2008). This pathogenic variant reduces the quality of the splice donor site in intron 1, and results in abnormal gene splicing (Berger et al., 2008). Therefore, we interpret c.97+5 G>A to be a pathogenic variant.

OMIM
Classification: Pathogenic for MITOCHONDRIAL COMPLEX I DEFICIENCY, NUCLEAR TYPE 14. Last evaluated: 2008-03-01. Review status: no assertion criteria provided. Collection method: literature only. Allele origin: germline. Not counted in ClinVar's aggregate classification.

Literature cited by the submitters: PubMed 18306244 (cited by OMIM).

NM_175614.5(NDUFA11):c.97+5G>A

Genes: NDUFA11 (NADH:ubiquinone oxidoreductase subunit A11; minus strand), LOC112552175 (Sharpr-MPRA regulatory region 9916; plus strand). Cytogenetic location: 19p13.3.
Variant type: single nucleotide variant.
Coding change: c.97+5G>A on transcript NM_175614.5 (MANE Select); 5 bases into the intron after coding-DNA position 97, G replaced by A.
Molecular consequence: intron variant.
Genome position (GRCh38, 1-based): chr19:5,903,607, C>T on the plus strand (G>A on the coding strand, the complement: NDUFA11 is on the minus strand). VCF-style: chr19-5903607-C-T. GRCh37 (hg19) VCF-style: chr19-5903618-C-T.
Other names: IVS1DS, G-A, +5; c.97+5G>A (NM_001193375.3).
Identifiers: ClinVar variation 449316 (VCV000449316.2), dbSNP rs1348957889, ClinGen allele CA658658765.
Genomic context (GRCh38, chr19:5,903,607, plus strand): 5'-CCCAGTAACCCCACGACCTCCCTGCGGCCTCGGCCCTCCACCCTCGGGGCCCGGCCGGCG[C>T]TCACCAGCGACGCTGGCAATACTGGTGGTGCTGTAGGCTTTGCGGTGGCAATCGGTGCCA-3'